The following is an entry in ClinVar:

ClinVar aggregate classification (germline): Uncertain significance (1 of 4 stars; one submission).

Submission:

GeneDx
Classification: Uncertain significance. Last evaluated: 2025-07-19. Review status: criteria provided, single submitter. Criteria: GeneDx Variant Classification Process June 2021. Collection method: clinical testing. Allele origin: germline. Affected: yes.
Comment: Not observed at significant frequency in large population cohorts (gnomAD); In silico analysis suggests that this missense variant does not alter protein structure/function; Has not been previously published as pathogenic or benign to our knowledge

NM_001318852.2(MAPK8IP3):c.1061T>G (p.Met354Arg)

Gene: MAPK8IP3 (mitogen-activated protein kinase 8 interacting protein 3; plus strand). Cytogenetic location: 16p13.3.
Variant type: single nucleotide variant.
Coding change: c.1061T>G on transcript NM_001318852.2 (MANE Select); coding-DNA position 1061, T replaced by G.
Protein change: p.Met354Arg; replaces methionine 354 with arginine.
Molecular consequence: missense variant.
Genome position (GRCh38, 1-based): chr16:1,748,310, T>G. VCF-style: chr16-1748310-T-G. GRCh37 (hg19) VCF-style: chr16-1798311-T-G.
Other names: c.1058T>G, p.Met353Arg (NM_001040439.2, NM_015133.5); short protein forms M353R, M354R.
Identifiers: ClinVar variation 4755784 (VCV004755784.1).